The following is an entry in ClinVar:

NM_004004.6(GJB2):c.-22-7T>C

Gene: GJB2 (gap junction protein beta 2; minus strand). Cytogenetic location: 13q12.11.
Variant type: single nucleotide variant.
Coding change: c.-22-7T>C on transcript NM_004004.6 (MANE Select); 7 bases into the intron before 22 bases upstream of the start codon, T replaced by C.
Molecular consequence: intron variant.
Genome position (GRCh38, 1-based): chr13:20,189,610, A>G on the plus strand (T>C on the coding strand, the complement: GJB2 is on the minus strand). VCF-style: chr13-20189610-A-G. GRCh37 (hg19) VCF-style: chr13-20763749-A-G.
Identifiers: ClinVar variation 928520 (VCV000928520.2), dbSNP rs372197957, ClinGen allele CA6904348.

ClinVar aggregate classification (germline): Uncertain significance. Review status: criteria provided, single submitter (1 of 4 stars). 2 submissions from 2 submitters: Uncertain significance (1). 1 of the submissions does not count toward it. Last evaluated 2019-01-10.

Conditions:
Autosomal recessive nonsyndromic hearing loss 1A (DFNB1A). Also called: Deafness, autosomal recessive 1A; GJB2-Related Autosomal Recessive Nonsyndromic Hearing Loss; GJB6-Related DFNB 1 Nonsyndromic Hearing Loss and Deafness; Nonsyndromic Hearing Loss and Deafness, DFNB1; Connexin 26 deafness; Deafness nonsyndromic, Connexin 26 linked. Identifiers: Orphanet 90636, MedGen C2673759, MONDO:0009076, OMIM 220290.

Allele frequency attached by ClinVar (database versions not stated): gnomAD exomes below 0.00001; TOPMed below 0.00001; ExAC 0.00001; gnomAD 0.00001; ESP Exome Variant Server 0.00008; 1000 Genomes Project 0.00020; 1000 Genomes Project 30x 0.00031.
gnomAD v4.1: 2 of 1,594,164 alleles (0.00013%); highest among the groups gnomAD compares: African/African-American, 0.0027%; no homozygotes.

Submissions (2):

Women's Health and Genetics/Laboratory Corporation of America, LabCorp
Classification: Uncertain significance. Last evaluated: 2019-01-10. Review status: criteria provided, single submitter. Criteria: LabCorp Variant Classification Summary - May 2015. Collection method: clinical testing. Allele origin: germline.
Comment: Variant summary: The GJB2 variant, c.-22-7T>C is located in the 5' UTR of the gene. The variant allele was found at a frequency of 4.1e-06 in 243744 control chromosomes (gnomAD). The available data on variant occurrences in the general population are insufficient to allow any conclusion about variant significance. To our knowledge, no occurrence of c.-22-7T>C in individuals affected with Non-Syndromic Hearing Loss and no experimental evidence demonstrating its impact on protein function have been reported. No clinical diagnostic laboratories have submitted clinical-significance assessments for this variant to ClinVar after 2014. Based on the evidence outlined above, the variant was classified as uncertain significance.

Natera, Inc.
Classification: Uncertain significance for Autosomal recessive deafness type 1A. Last evaluated: 2021-02-04. Review status: no assertion criteria provided. Collection method: clinical testing. Allele origin: germline. Not counted in ClinVar's aggregate classification.